The following is an entry in ClinVar:

NM_000038.6(APC):c.1839del (p.Ala614fs)

Gene: APC (APC regulator of Wnt signaling pathway; plus strand). Cytogenetic location: 5q22.2.
Variant type: Deletion.
Coding change: c.1839del on transcript NM_000038.6 (MANE Select); coding-DNA position 1839, one base deleted (T; older notation c.1839delT).
Protein change: p.Ala614fs; shifts the reading frame from alanine 614.
Molecular consequence: frameshift variant.
Genome position (GRCh38, 1-based): chr5:112,835,046, T deleted; the last of 2 consecutive T bases (chr5:112,835,045-112,835,046); deleting either gives the same sequence. VCF-style (leftmost placement, unchanged base first): chr5-112835044-CT-C. GRCh37 (hg19) VCF-style: chr5-112170741-CT-C.
Other names: c.1839del, p.Ala614fs (NM_001127510.3, NM_001354895.2); c.1785del, p.Ala596fs (NM_001127511.3); c.1893del, p.Ala632fs (NM_001354896.2); c.1869del, p.Ala624fs (NM_001354897.2); c.1764del, p.Ala589fs (NM_001354898.2); c.1755del, p.Ala586fs (NM_001354899.2); c.1716del, p.Ala573fs (NM_001354900.2); c.1662del, p.Ala555fs (NM_001354901.2); and 5 more; short protein forms A331fs, A454fs, A488fs, A513fs, A523fs, A555fs, A573fs, A586fs.
Identifiers: ClinVar variation 1074363 (VCV001074363.8), dbSNP rs2149842421, ClinGen allele CA2499217462.

ClinVar aggregate classification (germline): Pathogenic (1 of 4 stars; one submission).

Conditions:
Familial adenomatous polyposis 1 (FAP1). Also called: FAMILIAL ADENOMATOUS POLYPOSIS 1, ATTENUATED; POLYPOSIS, ADENOMATOUS INTESTINAL. Identifiers: MedGen C2713442, MONDO:0021056, OMIM 175100. Disease mechanism: loss of function.

Submission:

Labcorp Genetics (formerly Invitae), Labcorp
Classification: Pathogenic for Familial adenomatous polyposis 1. Last evaluated: 2020-04-11. Review status: criteria provided, single submitter. Criteria: Invitae Variant Classification Sherloc (09022015). Collection method: clinical testing. Allele origin: germline.
Comment: For these reasons, this variant has been classified as Pathogenic. Loss-of-function variants in APC are known to be pathogenic (PMID: 17963004, 20685668). This variant has not been reported in the literature in individuals with APC-related conditions. This variant is not present in population databases (ExAC no frequency). This sequence change creates a premature translational stop signal (p.Ala614Hisfs*16) in the APC gene. It is expected to result in an absent or disrupted protein product.

Literature cited by the submitters: PubMed 17963004; PubMed 20685668.